The following is an entry in ClinVar:

NM_001128840.3(CACNA1D):c.3915+2T>C

Gene: CACNA1D (calcium voltage-gated channel subunit alpha1 D; plus strand). Cytogenetic location: 3p21.1.
Variant type: single nucleotide variant.
Coding change: c.3915+2T>C on transcript NM_001128840.3 (MANE Select); the canonical splice donor site of the intron after coding-DNA position 3915, T replaced by C.
Molecular consequence: splice donor variant. On other transcripts: intron variant (1).
Genome position (GRCh38, 1-based): chr3:53,770,019, T>C. VCF-style: chr3-53770019-T-C. GRCh37 (hg19) VCF-style: chr3-53804046-T-C.
Other names: c.3871-405T>C (NM_001128839.3); c.3975+2T>C (NM_000720.4).
Identifiers: ClinVar variation 1971414 (VCV001971414.5), dbSNP rs2474183255, ClinGen allele CA353257303.
Genomic context (GRCh38, chr3:53,770,019, plus strand): 5'-TTGATTTCTTAAAGCCAACTGAAAGTGAAAATGTCCCTGTCCCAACTGCTACACCTGGGG[T>C]AAGATCAGTGACTAGTCCCCAGGGGCTGGGCCTTTTCCTTAAGTTTATTTGACCATGTCG-3'

ClinVar aggregate classification (germline): Uncertain significance (1 of 4 stars; one submission).

Submission:

Labcorp Genetics (formerly Invitae), Labcorp
Classification: Uncertain significance. Last evaluated: 2022-10-16. Review status: criteria provided, single submitter. Criteria: Invitae Variant Classification Sherloc (09022015). Collection method: clinical testing. Allele origin: germline.
Comment: This sequence change affects a donor splice site in intron 32 of the CACNA1D gene. It is expected to disrupt RNA splicing. Variants that disrupt the donor or acceptor splice site typically lead to a loss of protein function (PMID: 16199547), however the current clinical and genetic evidence is not sufficient to establish whether loss-of-function variants in CACNA1D cause disease. In summary, the available evidence is currently insufficient to determine the role of this variant in disease. Therefore, it has been classified as a Variant of Uncertain Significance. This variant has not been reported in the literature in individuals affected with CACNA1D-related conditions. This variant is not present in population databases (gnomAD no frequency).

Literature cited by the submitters: PubMed 16199547.